The following is an entry in ClinVar:

ClinVar aggregate classification (germline): Uncertain significance (1 of 4 stars; one submission).

Conditions:
COG5-congenital disorder of glycosylation. Also called: CONGENITAL DISORDER OF GLYCOSYLATION, TYPE IIi; CDG IIi; COG5-CDG. Identifiers: Orphanet 263487, MedGen C3150876, MONDO:0013325, OMIM 613612.

Allele frequency attached by ClinVar (database versions not stated): ExAC 0.00001; gnomAD exomes 0.00002 and 0.00004; TOPMed 0.00002; gnomAD 0.00003; ESP Exome Variant Server 0.00008.
gnomAD v4.1: 56 of 1,613,082 alleles (0.0035%); highest among the groups gnomAD compares: Non-Finnish European, 0.0046%; no homozygotes.

Submission:

Labcorp Genetics (formerly Invitae), Labcorp
Classification: Uncertain significance for COG5-congenital disorder of glycosylation. Last evaluated: 2025-09-02. Review status: criteria provided, single submitter. Criteria: Invitae Variant Classification Sherloc (09022015). Collection method: clinical testing. Allele origin: germline.
Comment: This sequence change replaces arginine, which is basic and polar, with cysteine, which is neutral and slightly polar, at codon 426 of the COG5 protein (p.Arg426Cys). This variant is present in population databases (rs376754542, gnomAD 0.004%). This variant has not been reported in the literature in individuals affected with COG5-related conditions. ClinVar contains an entry for this variant (Variation ID: 1388180). Invitae Evidence Modeling of protein sequence and biophysical properties (such as structural, functional, and spatial information, amino acid conservation, physicochemical variation, residue mobility, and thermodynamic stability) indicates that this missense variant is expected to disrupt COG5 protein function with a positive predictive value of 80%. In summary, the available evidence is currently insufficient to determine the role of this variant in disease. Therefore, it has been classified as a Variant of Uncertain Significance.

NM_006348.5(COG5):c.1183C>T (p.Arg395Cys)

Gene: COG5 (component of oligomeric golgi complex 5; minus strand). Cytogenetic location: 7q22.3.
Variant type: single nucleotide variant.
Coding change: c.1183C>T on transcript NM_006348.5 (MANE Select); coding-DNA position 1183, C replaced by T.
Protein change: p.Arg395Cys; replaces arginine 395 with cysteine.
Molecular consequence: missense variant.
Genome position (GRCh38, 1-based): chr7:107,298,272, G>A on the plus strand (C>T on the coding strand, the complement: COG5 is on the minus strand). VCF-style: chr7-107298272-G-A. GRCh37 (hg19) VCF-style: chr7-106938717-G-A.
Other names: c.1183C>T, p.Arg395Cys (NM_001161520.2, NM_001379511.1, NM_001379512.1 and 3 more transcripts); c.613C>T, p.Arg205Cys (NM_001379515.1); c.469C>T, p.Arg157Cys (NM_001379516.1); short protein forms R205C, R395C, R157C.
Identifiers: ClinVar variation 1388180 (VCV001388180.7), dbSNP rs376754542, ClinGen allele CA4430984.